The following is an entry in ClinVar:

NM_080680.3(COL11A2):c.3576C>T (p.Gly1192=)

Gene: COL11A2 (collagen type XI alpha 2 chain; minus strand). Cytogenetic location: 6p21.32.
Variant type: single nucleotide variant.
Coding change: c.3576C>T on transcript NM_080680.3 (MANE Select); coding-DNA position 3576, C replaced by T.
Protein change: p.Gly1192=; no amino-acid change (glycine 1192 retained).
Molecular consequence: synonymous variant.
Genome position (GRCh38, 1-based): chr6:33,170,332, G>A on the plus strand (C>T on the coding strand, the complement: COL11A2 is on the minus strand). VCF-style: chr6-33170332-G-A. GRCh37 (hg19) VCF-style: chr6-33138109-G-A.
Other names: p.Gly1192=; c.3255C>T, p.Gly1085= (NM_080679.3); c.3318C>T, p.Gly1106= (NM_080681.3).
Identifiers: ClinVar variation 178326 (VCV000178326.48), dbSNP rs138380958, ClinGen allele CA182115.

ClinVar aggregate classification (germline): Conflicting classifications of pathogenicity. Review status: criteria provided, conflicting classifications (1 of 4 stars). 12 submissions from 11 submitters: Uncertain significance (2); Benign (1); Likely benign (9). Last evaluated 2026-05-11.

Conditions:
Connective tissue disorder. Also called: Connective tissue disease. Identifiers: MedGen C0009782, MONDO:0003900.
Fibrochondrogenesis 2 (FBCG2). Identifiers: Orphanet 2021, MedGen C3281128, MONDO:0013795, OMIM 614524.
Otospondylomegaepiphyseal dysplasia, autosomal recessive (OSMEDB). Also called: CHONDRODYSTROPHY WITH SENSORINEURAL DEAFNESS; Insley-Astley syndrome. Identifiers: Orphanet 1427, MedGen CN034493, MONDO:0044206, OMIM 215150.

Allele frequency attached by ClinVar (database versions not stated): 1000 Genomes Project 30x 0.00047; 1000 Genomes Project 0.00060; gnomAD 0.00106 and 0.00110; ExAC 0.00112; gnomAD exomes 0.00113 and 0.00170; TOPMed 0.00128; ESP Exome Variant Server 0.00154.
gnomAD v4.1: 2,630 of 1,613,574 alleles (0.16%); highest among the groups gnomAD compares: Middle Eastern, 0.38%; 3 homozygotes.

Submissions (12):

Women's Health and Genetics/Laboratory Corporation of America, LabCorp
Classification: Benign. Last evaluated: 2026-05-11. Review status: criteria provided, single submitter. Criteria: LabCorp Variant Classification Summary - May 2015. Collection method: clinical testing. Allele origin: germline.

CeGaT Center for Human Genetics Tuebingen
Classification: Likely benign. Last evaluated: 2026-02-01. Review status: criteria provided, single submitter. Criteria: CeGaT Center For Human Genetics Tuebingen Variant Classification Criteria Version 2. Collection method: clinical testing. Allele origin: germline. Affected: yes. Observed: 3 variant alleles.
Comment: COL11A2: BP4, BP7

Labcorp Genetics (formerly Invitae), Labcorp
Classification: Likely benign. Last evaluated: 2026-02-01. Review status: criteria provided, single submitter. Criteria: Invitae Variant Classification Sherloc (09022015). Collection method: clinical testing. Allele origin: germline.

Mayo Clinic Laboratories, Mayo Clinic
Classification: Likely benign. Last evaluated: 2025-02-05. Review status: criteria provided, single submitter. Criteria: ACMG Guidelines, 2015. Collection method: clinical testing. Allele origin: germline. Observed: 1 variant allele.
Comment: BS1_supporting, BP4, BP7

Blueprint Genetics
Classification: Likely benign. Last evaluated: 2024-11-26. Review status: criteria provided, single submitter. Criteria: ACMG Guidelines, 2015. Collection method: clinical testing. Allele origin: germline.

ARUP Laboratories, Molecular Genetics and Genomics, ARUP Laboratories
Classification: Likely benign. Last evaluated: 2023-10-18. Review status: criteria provided, single submitter. Criteria: ARUP Molecular Germline Variant Investigation Process 2024. Collection method: clinical testing. Allele origin: germline.

Genome Diagnostics Laboratory, The Hospital for Sick Children
Classification: Likely benign for Connective tissue disorder. Last evaluated: 2020-07-01. Review status: criteria provided, single submitter. Criteria: ACMG Guidelines, 2015. Collection method: clinical testing. Allele origin: germline.

Center for Human Genetics, Inc
Classification: Likely benign for Connective tissue disorder. Last evaluated: 2018-06-01. Review status: criteria provided, single submitter. Criteria: ACMG Guidelines, 2015. Collection method: clinical testing. Allele origin: germline. Affected: yes.

Illumina Laboratory Services, Illumina
Classification: Uncertain significance for Fibrochondrogenesis 2. Last evaluated: 2018-01-13. Review status: criteria provided, single submitter. Criteria: ICSL Variant Classification Criteria 13 December 2019. Collection method: clinical testing. Allele origin: germline.

Illumina Laboratory Services, Illumina
Classification: Uncertain significance for Otospondylomegaepiphyseal dysplasia, autosomal recessive. Last evaluated: 2018-01-13. Review status: criteria provided, single submitter. Criteria: ICSL Variant Classification Criteria 13 December 2019. Collection method: clinical testing. Allele origin: germline.

GeneDx
Classification: Likely benign. Last evaluated: 2017-11-06. Review status: criteria provided, single submitter. Criteria: GeneDx Variant Classification (06012015). Collection method: clinical testing. Allele origin: germline. Affected: yes.
Comment: This variant is considered likely benign or benign based on one or more of the following criteria: it is a conservative change, it occurs at a poorly conserved position in the protein, it is predicted to be benign by multiple in silico algorithms, and/or has population frequency not consistent with disease.

Laboratory for Molecular Medicine, Mass General Brigham Personalized Medicine
Classification: Likely benign. Last evaluated: 2012-04-30. Review status: criteria provided, single submitter. Criteria: LMM Criteria. Collection method: clinical testing. Allele origin: germline. Observed: 3 variant alleles.
Comment: Gly1192Gly in Exon 48 of COL11A2: This variant is not expected to have clinical significance because it does not alter an amino acid residue, is not located wit hin the splice consensus sequence, and has been identified in 0.1% (10/7020) of European American chromosomes from a broad population by the NHLBI Exome Sequenc ing Project (dbSNP rs138380958).